The following is an entry in ClinVar:

NM_002880.4(RAF1):c.323A>G (p.Lys108Arg)

Gene: RAF1 (Raf-1 proto-oncogene, serine/threonine kinase; minus strand). Cytogenetic location: 3p25.2.
Variant type: single nucleotide variant.
Coding change: c.323A>G on transcript NM_002880.4 (MANE Select); coding-DNA position 323, A replaced by G.
Protein change: p.Lys108Arg; replaces lysine 108 with arginine.
Molecular consequence: missense variant. On other transcripts: non-coding transcript variant (3).
Genome position (GRCh38, 1-based): chr3:12,609,333, T>C on the plus strand (A>G on the coding strand, the complement: RAF1 is on the minus strand). VCF-style: chr3-12609333-T-C. GRCh37 (hg19) VCF-style: chr3-12650832-T-C.
Other names: c.323A>G, p.Lys108Arg (NM_001354689.3, NM_001354690.3, NM_001354693.3); c.80A>G, p.Lys27Arg (NM_001354691.3, NM_001354692.3, NM_001354694.3 and 1 more transcripts); short protein forms K108R, K27R.
Identifiers: ClinVar variation 3906059 (VCV003906059.10).

ClinVar aggregate classification (germline): Uncertain significance (1 of 4 stars; one submission).

Submission:

CeGaT Center for Human Genetics Tuebingen
Classification: Uncertain significance. Last evaluated: 2025-06-01. Review status: criteria provided, single submitter. Criteria: CeGaT Center For Human Genetics Tuebingen Variant Classification Criteria Version 2. Collection method: clinical testing. Allele origin: germline. Affected: yes. Observed: 1 variant allele.
Comment: RAF1: PM2, PP3